The following is an entry in ClinVar:

NM_002454.3(MTRR):c.904-1G>T

Gene: MTRR (5-methyltetrahydrofolate-homocysteine methyltransferase reductase; plus strand). Cytogenetic location: 5p15.31.
Variant type: single nucleotide variant.
Coding change: c.904-1G>T on transcript NM_002454.3 (MANE Select); the canonical splice acceptor site of the intron before coding-DNA position 904, G replaced by T.
Molecular consequence: splice acceptor variant.
Genome position (GRCh38, 1-based): chr5:7,885,700, G>T. VCF-style: chr5-7885700-G-T. GRCh37 (hg19) VCF-style: chr5-7885813-G-T.
Other names: c.904-1G>T (NM_001364440.2, NM_001364441.2, NM_001364442.2 and 1 more transcripts).
Identifiers: ClinVar variation 2770486 (VCV002770486.3), dbSNP rs2478942096, ClinGen allele CA359157733.
Genomic context (GRCh38, chr5:7,885,700, plus strand): 5'-CAGCTTAAACTATGTAACACGTATAATGTATTTTTTTTTTTTCATTTTGGCTCTTCTCTA[G>T]AATACAGACTTTTCCTATCAGCCTGGAGATGCCTTCAGCGTGATCTGCCCTAACAGTGAT-3'

ClinVar aggregate classification (germline): Likely pathogenic (1 of 4 stars; one submission).

Conditions:
Methylcobalamin deficiency type cblE (HMAE). Also called: VITAMIN B12-RESPONSIVE HOMOCYSTINURIA, cblE TYPE; HOMOCYSTINURIA-MEGALOBLASTIC ANEMIA, cblE TYPE; HOMOCYSTINURIA-MEGALOBLASTIC ANEMIA, cblE COMPLEMENTATION TYPE. Identifiers: Orphanet 2169, Orphanet 622, MedGen C1856057, MONDO:0009354, OMIM 236270.

Submission:

Labcorp Genetics (formerly Invitae), Labcorp
Classification: Likely pathogenic for Methylcobalamin deficiency type cblE. Last evaluated: 2023-10-22. Review status: criteria provided, single submitter. Criteria: Invitae Variant Classification Sherloc (09022015). Collection method: clinical testing. Allele origin: germline.
Comment: This sequence change affects an acceptor splice site in intron 6 of the MTRR gene. It is expected to disrupt RNA splicing. Variants that disrupt the donor or acceptor splice site typically lead to a loss of protein function (PMID: 16199547), and loss-of-function variants in MTRR are known to be pathogenic (PMID: 15714522). This variant is not present in population databases (gnomAD no frequency). This variant has not been reported in the literature in individuals affected with MTRR-related conditions. Algorithms developed to predict the effect of sequence changes on RNA splicing suggest that this variant may disrupt the consensus splice site. In summary, the currently available evidence indicates that the variant is pathogenic, but additional data are needed to prove that conclusively. Therefore, this variant has been classified as Likely Pathogenic.

Literature cited by the submitters: PubMed 16199547; PubMed 15714522.